The following is an entry in ClinVar:

NM_000540.3(RYR1):c.13790C>T (p.Ala4597Val)

Gene: RYR1 (ryanodine receptor 1; plus strand). Cytogenetic location: 19q13.2.
Variant type: single nucleotide variant.
Coding change: c.13790C>T on transcript NM_000540.3 (MANE Select); coding-DNA position 13790, C replaced by T.
Protein change: p.Ala4597Val; replaces alanine 4597 with valine.
Molecular consequence: missense variant.
Genome position (GRCh38, 1-based): chr19:38,572,062, C>T. VCF-style: chr19-38572062-C-T. GRCh37 (hg19) VCF-style: chr19-39062702-C-T.
Other names: c.13775C>T, p.Ala4592Val (NM_001042723.2); short protein forms A4592V, A4597V.
Identifiers: ClinVar variation 1393451 (VCV001393451.13), dbSNP rs1048118323, ClinGen allele CA308114046.
Genomic context (GRCh38, chr19:38,572,062, plus strand): 5'-CTCTGTCCCCATTTCAGGTCTCAGACTCTCCACCAGGGGAGGACGACATGGAAGGCTCAG[C>T]TGCTGGGGATGTGTCAGGTGCAGGCTCTGGTGGCAGCTCTGGCTGGGGCTTGGGGGCCGG-3'
Protein context (NP_000531.2, residues 4587-4607): PPGEDDMEGS[Ala4597Val]AGDVSGAGSG

ClinVar aggregate classification (germline): Uncertain significance. Review status: criteria provided, multiple submitters, no conflicts (2 of 4 stars). 3 submissions from 3 submitters: Uncertain significance (3). Last evaluated 2025-09-01.

Conditions:
RYR1-related disorder. Also called: RYR1-related condition; RYR1-related disorders. Identifiers: MedGen CN239331.
Malignant hyperthermia, susceptibility to, 1 (MHS1). Also called: RYR1-Related Malignant Hyperthermia Susceptibility; Anesthesia related hyperthermia; Malignant hyperpyrexia; Fulminating hyperpyrexia; Pharmacogenic myopathy; Malignant hyperthermia suceptibility 1. Identifiers: Orphanet 423, MedGen C2930980, MONDO:0007783, OMIM 145600.

Allele frequency attached by ClinVar (database versions not stated): gnomAD exomes below 0.00001; TOPMed below 0.00001.
gnomAD v4.1: 2 of 1,614,146 alleles (0.00012%); highest among the groups gnomAD compares: Middle Eastern, 0.016%; no homozygotes.

Submissions (3):

CeGaT Center for Human Genetics Tuebingen
Classification: Uncertain significance. Last evaluated: 2025-09-01. Review status: criteria provided, single submitter. Criteria: CeGaT Center For Human Genetics Tuebingen Variant Classification Criteria Version 2. Collection method: clinical testing. Allele origin: germline. Affected: yes. Observed: 1 variant allele.
Comment: RYR1: PM2

All of Us Research Program, National Institutes of Health
Classification: Uncertain significance for Malignant hyperthermia, susceptibility to, 1. Last evaluated: 2023-12-18. Review status: criteria provided, single submitter. Criteria: ACMG Guidelines, 2015. Collection method: clinical testing. Allele origin: germline. Inheritance: Autosomal dominant inheritance. Observed: 1 variant allele, 1 heterozygote.
Comment: This missense variant replaces alanine with valine at codon 4597 of the RYR1 protein. Computational prediction suggests that this variant may not impact protein structure and function (internally defined REVEL score threshold <= 0.5, PMID: 27666373). To our knowledge, functional studies have not been reported for this variant. This variant has not been reported in individuals affected with RYR1-related disorders in the literature. This variant has not been identified in the general population by the Genome Aggregation Database (gnomAD). The available evidence is insufficient to determine the role of this variant in disease conclusively. Therefore, this variant is classified as a Variant of Uncertain Significance.

This study involves interpretation of variants in research participants for the purpose of population health screening. Participant phenotype was not available at the time of variant classification. Additional details can be found in publication PMID: 35346344, PMCID: PMC8962531

Labcorp Genetics (formerly Invitae), Labcorp
Classification: Uncertain significance for RYR1-related disorder. Last evaluated: 2022-08-03. Review status: criteria provided, single submitter. Criteria: Invitae Variant Classification Sherloc (09022015). Collection method: clinical testing. Allele origin: germline.
Comment: This sequence change replaces alanine, which is neutral and non-polar, with valine, which is neutral and non-polar, at codon 4597 of the RYR1 protein (p.Ala4597Val). This variant is not present in population databases (gnomAD no frequency). This variant has not been reported in the literature in individuals affected with RYR1-related conditions. ClinVar contains an entry for this variant (Variation ID: 1393451). Advanced modeling of protein sequence and biophysical properties (such as structural, functional, and spatial information, amino acid conservation, physicochemical variation, residue mobility, and thermodynamic stability) performed at Invitae indicates that this missense variant is not expected to disrupt RYR1 protein function. In summary, the available evidence is currently insufficient to determine the role of this variant in disease. Therefore, it has been classified as a Variant of Uncertain Significance.